The following is an entry in ClinVar:

ClinVar aggregate classification (germline): Pathogenic. Review status: criteria provided, single submitter (1 of 4 stars). 2 submissions from 2 submitters: Pathogenic (1). 1 of the submissions does not count toward it. Last evaluated 2024-06-07.

Conditions:
Mucopolysaccharidosis, MPS-II (MPS2). Also called: IDS deficiency; Sulfoiduronate sulfatase deficiency; SIDS deficiency; Hunter Syndrome; IDURONATE 2-SULFATASE DEFICIENCY; Mucopolysaccharidosis Type II. Identifiers: Orphanet 580, Orphanet 79388, MedGen C0026705, MONDO:0010674, OMIM 309900.

Submissions (2):

Laboratory of Diagnosis and Therapy of Lysosomal Disorders, University of Padova
Classification: Pathogenic for Mucopolysaccharidosis, MPS-II. Last evaluated: 2024-06-07. Review status: criteria provided, single submitter. Criteria: ACMG Guidelines, 2015. Collection method: literature only. Allele origin: germline. Affected: yes. Observed: 2 variant alleles.
Comment: Null variant (PVS1_VeryStrong), Absent from controls (or at low frequency) in gnomAD database (PM2_Moderate), Patient’s phenotype or family history highly specific for the disease (PP4_Moderate)

Classification method: ACMG Guidelines [PMID:25741868] with modifications

Division of Medical Genetics, Department of Pediatrics, All India Institute of Medical Sciences, New Delhi
Classification: Likely pathogenic for Mucopolysaccharidosis, MPS-II. Last evaluated: 2014-02-01. Review status: no assertion criteria provided. Collection method: research. Allele origin: germline. Inheritance: X-linked recessive inheritance. Affected: yes. Observed: 1 variant allele, 1 hemizygote. Not counted in ClinVar's aggregate classification.
Comment: The change c.205_206insAAACTGGCAT, (p.S69*fs) was found to be a novel small frame-shift insertion, where a 10 base insertion leads to frameshift change in the ORF of the translated peptide leading to substitution of a hydroxyl-containing polar neutral amino acid Serine at 69 position by a stop codon leading to truncation of the protein. It was detected in hemizygous state in two of the severely affected sibs in a family from Uttrakhand state of India.

Literature cited by the submitters: PubMed 35144014 (cited by Laboratory of Diagnosis and Therapy of Lysosomal Disorders, University of Padova).

NM_000202.8(IDS):c.205_206insAAACTGGCAT (p.Ser69Ter)

Gene: IDS (iduronate 2-sulfatase; minus strand). Cytogenetic location: Xq28.
Variant type: Insertion.
Coding change: c.205_206insAAACTGGCAT on transcript NM_000202.8 (MANE Select); coding-DNA positions 205 to 206, AAACTGGCAT inserted.
Protein change: p.Ser69Ter; replaces serine 69 with a stop codon.
Molecular consequence: nonsense. On other transcripts: 5 prime UTR variant (1), non-coding transcript variant (1).
Genome position: GRCh38 VCF-style: chrX-149504191-G-GATGCCAGTTT. GRCh37 (hg19) VCF-style: chrX-148585721-G-GATGCCAGTTT.
Other names: c.-22_-21insAAACTGGCAT (NM_001166550.4); c.205_206insAAACTGGCAT, p.Ser69Ter (NM_006123.5); short protein forms S69*.
Identifiers: ClinVar variation 1065181 (VCV001065181.3), dbSNP rs2124065847, ClinGen allele CA2499226402.
Genomic context (GRCh38, chrX:149,504,191, plus strand): 5'-CCACAGCTAGAGGTTCCCAGACATACCTGCGCAAAGGCATTCTGGAAGAGGAGGCTGTGG[G>GATGCCAGTTT]ATGCCAGTTGGTCAATATTTGGGGACCTCACCAGCTTATCCCCATAACAGCCCAGGGAGG-3'